The following is an entry in ClinVar:

ClinVar aggregate classification (germline): Likely benign (1 of 4 stars; one submission).

Submission:

CeGaT Center for Human Genetics Tuebingen
Classification: Likely benign. Last evaluated: 2026-03-01. Review status: criteria provided, single submitter. Criteria: CeGaT Center For Human Genetics Tuebingen Variant Classification Criteria Version 2. Collection method: clinical testing. Allele origin: germline. Affected: yes. Observed: 1 variant allele.
Comment: WDR37: BP4, BP7

NC_000010.11:g.1160564G>A

Genes: LINC00200 (long independently transcribed non-coding RNA 200; plus strand), WDR37 (WD repeat domain 37; plus strand). Cytogenetic location: 10p15.3.
Variant type: single nucleotide variant.
Molecular consequence: non-coding transcript variant (on NR_015376.2).
Genome position: GRCh38 VCF-style: chr10-1160564-G-A. GRCh37 (hg19) VCF-style: chr10-1206504-G-A.
Identifiers: ClinVar variation 4823524 (VCV004823524.4).